The following is an entry in ClinVar:

NM_025152.3(NUBPL):c.763G>A (p.Gly255Ser)

Gene: NUBPL (NUBP iron-sulfur cluster assembly factor, mitochondrial; plus strand). Cytogenetic location: 14q12.
Variant type: single nucleotide variant.
Coding change: c.763G>A on transcript NM_025152.3 (MANE Select); coding-DNA position 763, G replaced by A.
Protein change: p.Gly255Ser; replaces glycine 255 with serine.
Molecular consequence: missense variant. On other transcripts: non-coding transcript variant (1).
Genome position (GRCh38, 1-based): chr14:31,846,540, G>A. VCF-style: chr14-31846540-G-A. GRCh37 (hg19) VCF-style: chr14-32315746-G-A.
Other names: c.475G>A, p.Gly159Ser (NM_001201573.2); c.214G>A, p.Gly72Ser (NM_001201574.2); short protein forms G255S, G159S, G72S.
Identifiers: ClinVar variation 2117073 (VCV002117073.4), dbSNP rs2040455889, ClinGen allele CA389480937.

ClinVar aggregate classification (germline): Uncertain significance (1 of 4 stars; one submission).

Submission:

Labcorp Genetics (formerly Invitae), Labcorp
Classification: Uncertain significance. Last evaluated: 2024-01-02. Review status: criteria provided, single submitter. Criteria: Invitae Variant Classification Sherloc (09022015). Collection method: clinical testing. Allele origin: germline.
Comment: This sequence change replaces glycine, which is neutral and non-polar, with serine, which is neutral and polar, at codon 255 of the NUBPL protein (p.Gly255Ser). This variant is not present in population databases (gnomAD no frequency). This variant has not been reported in the literature in individuals affected with NUBPL-related conditions. ClinVar contains an entry for this variant (Variation ID: 2117073). Advanced modeling of protein sequence and biophysical properties (such as structural, functional, and spatial information, amino acid conservation, physicochemical variation, residue mobility, and thermodynamic stability) performed at Invitae indicates that this missense variant is not expected to disrupt NUBPL protein function with a negative predictive value of 80%. In summary, the available evidence is currently insufficient to determine the role of this variant in disease. Therefore, it has been classified as a Variant of Uncertain Significance.